The following is an entry in ClinVar:

NM_021830.5(TWNK):c.632C>T (p.Pro211Leu)

Gene: TWNK (twinkle mtDNA helicase; plus strand). Cytogenetic location: 10q24.31.
Variant type: single nucleotide variant.
Coding change: c.632C>T on transcript NM_021830.5 (MANE Select); coding-DNA position 632, C replaced by T.
Protein change: p.Pro211Leu; replaces proline 211 with leucine.
Molecular consequence: missense variant. On other transcripts: non-coding transcript variant (4), intron variant (3).
Genome position (GRCh38, 1-based): chr10:100,988,842, C>T. VCF-style: chr10-100988842-C-T. GRCh37 (hg19) VCF-style: chr10-102748599-C-T.
Other names: c.632C>T, p.Pro211Leu (NM_001163812.2); c.-119-802C>T (NM_001163814.2, NM_001163813.2); c.-57-864C>T (NM_001368275.1); short protein forms P211L.
Identifiers: ClinVar variation 3381593 (VCV003381593.1).
Genomic context (GRCh38, chr10:100,988,842, plus strand): 5'-AGCGTTTCAGTGTGCGATATCTGCGACCTGCTCGCAGTCTTGTCTTCCCTTGGTTCTCCC[C>T]TGGGGGCTCAGGATTACGAGGCCTGAAGCTCCTAGAGGCTAAATGCCAGGGGGATGGAGT-3'
Protein context (NP_068602.2, residues 201-221): ARSLVFPWFS[Pro211Leu]GGSGLRGLKL

ClinVar aggregate classification (germline): Uncertain significance (1 of 4 stars; one submission).

Submission:

GeneDx
Classification: Uncertain significance. Last evaluated: 2024-05-19. Review status: criteria provided, single submitter. Criteria: GeneDx Variant Classification Process June 2021. Collection method: clinical testing. Allele origin: germline. Affected: yes.
Comment: Not observed at significant frequency in large population cohorts (gnomAD); In silico analysis indicates that this missense variant does not alter protein structure/function; Has not been previously published as pathogenic or benign to our knowledge